The following is an entry in ClinVar:

ClinVar aggregate classification (germline): Uncertain significance (1 of 4 stars; one submission).

Conditions:
Oligodontia-cancer predisposition syndrome. Also called: TOOTH AGENESIS-COLORECTAL CANCER SYNDROME. Identifiers: Orphanet 300576, MedGen C1837750, MONDO:0012075, OMIM 608615. Disease mechanism: loss of function.

Submission:

Labcorp Genetics (formerly Invitae), Labcorp
Classification: Uncertain significance for Oligodontia-cancer predisposition syndrome. Last evaluated: 2025-01-06. Review status: criteria provided, single submitter. Criteria: Invitae Variant Classification Sherloc (09022015). Collection method: clinical testing. Allele origin: germline.
Comment: This sequence change replaces leucine, which is neutral and non-polar, with arginine, which is basic and polar, at codon 836 of the AXIN2 protein (p.Leu836Arg). This variant is not present in population databases (gnomAD no frequency). This variant has not been reported in the literature in individuals affected with AXIN2-related conditions. Invitae Evidence Modeling of protein sequence and biophysical properties (such as structural, functional, and spatial information, amino acid conservation, physicochemical variation, residue mobility, and thermodynamic stability) indicates that this missense variant is expected to disrupt AXIN2 protein function with a positive predictive value of 80%. In summary, the available evidence is currently insufficient to determine the role of this variant in disease. Therefore, it has been classified as a Variant of Uncertain Significance.

NM_004655.4(AXIN2):c.2507T>G (p.Leu836Arg)

Gene: AXIN2 (axin 2; minus strand). Cytogenetic location: 17q24.1.
Variant type: single nucleotide variant.
Coding change: c.2507T>G on transcript NM_004655.4 (MANE Select); coding-DNA position 2507, T replaced by G.
Protein change: p.Leu836Arg; replaces leucine 836 with arginine.
Molecular consequence: missense variant.
Genome position (GRCh38, 1-based): chr17:65,530,001, A>C on the plus strand (T>G on the coding strand, the complement: AXIN2 is on the minus strand). VCF-style: chr17-65530001-A-C. GRCh37 (hg19) VCF-style: chr17-63526119-A-C.
Other names: c.2312T>G, p.Leu771Arg (NM_001363813.1); short protein forms L836R, L771R.
Identifiers: ClinVar variation 3654339 (VCV003654339.2).